The following is an entry in ClinVar:

ClinVar aggregate classification (germline): Uncertain significance. Review status: criteria provided, multiple submitters, no conflicts (2 of 4 stars). 3 submissions from 3 submitters: Uncertain significance (3). Last evaluated 2023-07-20.

Conditions:
Hypertrophic cardiomyopathy 14. Identifiers: MedGen C2750467, MONDO:0013197, OMIM 613251.
Cardiovascular phenotype. Identifiers: MedGen CN230736.

Allele frequency attached by ClinVar (database versions not stated): gnomAD exomes below 0.00001; TOPMed below 0.00001; ExAC 0.00001; gnomAD 0.00001.
gnomAD v4.1: 8 of 1,614,006 alleles (0.0005%); highest among the groups gnomAD compares: South Asian, 0.0011%; no homozygotes.

Submissions (3):

Women's Health and Genetics/Laboratory Corporation of America, LabCorp
Classification: Uncertain significance. Last evaluated: 2023-07-20. Review status: criteria provided, single submitter. Criteria: LabCorp Variant Classification Summary - May 2015. Collection method: clinical testing. Allele origin: germline.
Comment: Variant summary: MYH6 c.5767C>T (p.Arg1923X) results in a premature termination codon and is predicted to cause a truncation of the encoded protein. Although the variant is not predicted to cause absense of the protein through nonsense mediated decay, the variant is predicted to disrupt the last 17 amino acids in the protein sequence. The predominant MYH6 mutational spectrum involves missense variants in individuals with Cardiomyopathy. Therefore, the impact of loss of function variants in MYH6 on disease is not well established. The variant allele was found at a frequency of 4e-06 in 251478 control chromosomes. The available data on variant occurrences in the general population are insufficient to allow any conclusion about variant significance. c.5767C>T has been reported in the literature in individuals affected with Dilated Cardiomyopathy without evidence for causality (Yeh_2019). Therefore, this report does not provide unequivocal conclusions about association of the variant with Cardiomyopathy. To our knowledge, no experimental evidence demonstrating an impact on protein function has been reported. The following publication has been ascertained in the context of this evaluation (PMID: 31879508). Two ClinVar submitters have assessed this variant since 2014, all submitters classified the variant as uncertain significance. Based on the evidence outlined above, the variant was classified as uncertain significance.

Ambry Genetics
Classification: Uncertain significance for Cardiovascular phenotype. Last evaluated: 2022-02-02. Review status: criteria provided, single submitter. Criteria: Ambry Variant Classification Scheme 2023. Collection method: clinical testing. Allele origin: germline.
Comment: The p.R1923* variant (also known as c.5767C>T), located in coding exon 36 of the MYH6 gene, results from a C to T substitution at nucleotide position 5767. This changes the amino acid from an arginine to a stop codon within coding exon 36. Premature stop codons are typically deleterious in nature, however, this alteration occurs at the 3' terminus of MYH6 and impacts only the last 17 amino acids of the protein. The exact functional impact of these altered amino acids is unknown at this time. In addition, loss of function of MYH6 has not been clearly established as a mechanism of disease. Since supporting evidence is limited at this time, the clinical significance of this alteration remains unclear.

Labcorp Genetics (formerly Invitae), Labcorp
Classification: Uncertain significance for Hypertrophic cardiomyopathy 14. Last evaluated: 2021-08-31. Review status: criteria provided, single submitter. Criteria: Invitae Variant Classification Sherloc (09022015). Collection method: clinical testing. Allele origin: germline.

Literature cited by the submitters: PubMed 31879508 (cited by Women's Health and Genetics/Laboratory Corporation of America, LabCorp).

NM_002471.4(MYH6):c.5767C>T (p.Arg1923Ter)

Gene: MYH6 (myosin heavy chain 6; minus strand). Cytogenetic location: 14q11.2.
Variant type: single nucleotide variant.
Coding change: c.5767C>T on transcript NM_002471.4 (MANE Select); coding-DNA position 5767, C replaced by T.
Protein change: p.Arg1923Ter; replaces arginine 1923 with a stop codon.
Molecular consequence: nonsense.
Genome position (GRCh38, 1-based): chr14:23,382,457, G>A on the plus strand (C>T on the coding strand, the complement: MYH6 is on the minus strand). VCF-style: chr14-23382457-G-A. GRCh37 (hg19) VCF-style: chr14-23851666-G-A.
Other names: short protein forms R1923*.
Identifiers: ClinVar variation 264622 (VCV000264622.9), dbSNP rs765861895, ClinGen allele CA7114288.